The following is an entry in ClinVar:

ClinVar aggregate classification (germline): Uncertain significance (1 of 4 stars; one submission).

Conditions:
Nephronophthisis. Also called: Juvenile Nephronophthisis. Identifiers: Orphanet 655, MedGen C0687120, MONDO:0019005, HP:0000090.

Allele frequency attached by ClinVar (database versions not stated): gnomAD exomes below 0.00001; gnomAD 0.00001; TOPMed 0.00001.
gnomAD v4.1: 5 of 1,613,440 alleles (0.00031%); highest among the groups gnomAD compares: African/African-American, 0.0067%; no homozygotes.

Submission:

Labcorp Genetics (formerly Invitae), Labcorp
Classification: Uncertain significance for Nephronophthisis. Last evaluated: 2023-10-13. Review status: criteria provided, single submitter. Criteria: Invitae Variant Classification Sherloc (09022015). Collection method: clinical testing. Allele origin: germline.
Comment: This sequence change replaces serine, which is neutral and polar, with proline, which is neutral and non-polar, at codon 557 of the NPHP4 protein (p.Ser557Pro). This variant is not present in population databases (gnomAD no frequency). This variant has not been reported in the literature in individuals affected with NPHP4-related conditions. ClinVar contains an entry for this variant (Variation ID: 1990051). Advanced modeling of protein sequence and biophysical properties (such as structural, functional, and spatial information, amino acid conservation, physicochemical variation, residue mobility, and thermodynamic stability) performed at Invitae indicates that this missense variant is not expected to disrupt NPHP4 protein function. In summary, the available evidence is currently insufficient to determine the role of this variant in disease. Therefore, it has been classified as a Variant of Uncertain Significance.

NM_015102.5(NPHP4):c.1669T>C (p.Ser557Pro)

Gene: NPHP4 (nephrocystin 4; minus strand). Cytogenetic location: 1p36.31.
Variant type: single nucleotide variant.
Coding change: c.1669T>C on transcript NM_015102.5 (MANE Select); coding-DNA position 1669, T replaced by C.
Protein change: p.Ser557Pro; replaces serine 557 with proline.
Molecular consequence: missense variant. On other transcripts: non-coding transcript variant (1).
Genome position (GRCh38, 1-based): chr1:5,905,726, A>G on the plus strand (T>C on the coding strand, the complement: NPHP4 is on the minus strand). VCF-style: chr1-5905726-A-G. GRCh37 (hg19) VCF-style: chr1-5965786-A-G.
Other names: c.130T>C, p.Ser44Pro (NM_001291593.2); c.133T>C, p.Ser45Pro (NM_001291594.2); short protein forms S45P, S44P, S557P.
Identifiers: ClinVar variation 1990051 (VCV001990051.4), dbSNP rs1644883909, ClinGen allele CA338055412.